The following is an entry in ClinVar:

ClinVar aggregate classification (germline): Pathogenic (1 of 4 stars; one submission).

Submission:

Labcorp Genetics (formerly Invitae), Labcorp
Classification: Pathogenic. Last evaluated: 2022-08-16. Review status: criteria provided, single submitter. Criteria: Invitae Variant Classification Sherloc (09022015). Collection method: clinical testing. Allele origin: germline.
Comment: For these reasons, this variant has been classified as Pathogenic. Algorithms developed to predict the effect of sequence changes on RNA splicing suggest that this variant may create or strengthen a splice site. This variant has not been reported in the literature in individuals affected with VPS13A-related conditions. This variant is not present in population databases (gnomAD no frequency). This sequence change creates a premature translational stop signal (p.Glu603*) in the VPS13A gene. It is expected to result in an absent or disrupted protein product. Loss-of-function variants in VPS13A are known to be pathogenic (PMID: 12404112, 21598378).

Literature cited by the submitters: PubMed 12404112; PubMed 21598378.

NM_033305.3(VPS13A):c.1807G>T (p.Glu603Ter)

Gene: VPS13A (vacuolar protein sorting 13 homolog A; plus strand). Cytogenetic location: 9q21.2.
Variant type: single nucleotide variant.
Coding change: c.1807G>T on transcript NM_033305.3 (MANE Select); coding-DNA position 1807, G replaced by T.
Protein change: p.Glu603Ter; replaces glutamic acid 603 with a stop codon.
Molecular consequence: nonsense.
Genome position (GRCh38, 1-based): chr9:77,238,293, G>T. VCF-style: chr9-77238293-G-T. GRCh37 (hg19) VCF-style: chr9-79853209-G-T.
Other names: c.1807G>T, p.Glu603Ter (NM_001018037.2, NM_001018038.3, NM_015186.4); short protein forms E603*.
Identifiers: ClinVar variation 1941208 (VCV001941208.5), dbSNP rs1824270859, ClinGen allele CA373847844.
Genomic context (GRCh38, chr9:77,238,293, plus strand): 5'-TTTGCTTTGAGTTTGTGTTAATGATGTTTATTTTAACAGAGGACAGTGAATAGTATAGTG[G>T]AATTCTTCAGACCTCCAAAAGAGGTACATCTAGCACAGCTCACTGCAGCAACTTTGACAA-3'